The following is an entry in ClinVar:

ClinVar aggregate classification (germline): Uncertain significance (1 of 4 stars; one submission).

Conditions:
Cardiovascular phenotype. Identifiers: MedGen CN230736.

gnomAD v4.1: 21 of 1,601,862 alleles (0.0013%); highest among the groups gnomAD compares: South Asian, 0.023%; no homozygotes.

Submission:

Ambry Genetics
Classification: Uncertain significance for Cardiovascular phenotype. Last evaluated: 2024-06-30. Review status: criteria provided, single submitter. Criteria: Ambry Variant Classification Scheme 2023. Collection method: clinical testing. Allele origin: germline.
Comment: The p.N464K variant (also known as c.1392C>G), located in coding exon 1 of the FKRP gene, results from a C to G substitution at nucleotide position 1392. The asparagine at codon 464 is replaced by lysine, an amino acid with similar properties. This amino acid position is conserved. In addition, the in silico prediction for this alteration is inconclusive. Based on the available evidence, the clinical significance of this variant remains unclear.

NM_024301.5(FKRP):c.1392C>G (p.Asn464Lys)

Gene: FKRP (fukutin related protein; plus strand). Cytogenetic location: 19q13.32.
Variant type: single nucleotide variant.
Coding change: c.1392C>G on transcript NM_024301.5 (MANE Select); coding-DNA position 1392, C replaced by G.
Protein change: p.Asn464Lys; replaces asparagine 464 with lysine.
Molecular consequence: missense variant.
Genome position (GRCh38, 1-based): chr19:46,756,842, C>G. VCF-style: chr19-46756842-C-G. GRCh37 (hg19) VCF-style: chr19-47260099-C-G.
Other names: c.1392C>G, p.Asn464Lys (NM_001039885.3); short protein forms N464K.
Identifiers: ClinVar variation 3515557 (VCV003515557.1).